The following is an entry in ClinVar:

NM_005228.5(EGFR):c.2062-2A>T

Gene: EGFR (epidermal growth factor receptor; plus strand). Cytogenetic location: 7p11.2.
Variant type: single nucleotide variant.
Coding change: c.2062-2A>T on transcript NM_005228.5 (MANE Select); the canonical splice acceptor site of the intron before coding-DNA position 2062, A replaced by T.
Molecular consequence: splice acceptor variant.
Genome position (GRCh38, 1-based): chr7:55,173,919, A>T. VCF-style: chr7-55173919-A-T. GRCh37 (hg19) VCF-style: chr7-55241612-A-T.
Other names: c.1927-2A>T (NM_001346899.2, NM_001346897.2); c.1261-2A>T (NM_001346941.2); c.2062-2A>T (NM_001346898.2); c.1903-2A>T (NM_001346900.2).
Identifiers: ClinVar variation 3843764 (VCV003843764.1).

ClinVar aggregate classification (germline): Uncertain significance (1 of 4 stars; one submission).

Conditions:
Hereditary cancer-predisposing syndrome. Also called: Hereditary neoplastic syndrome; Neoplastic Syndromes, Hereditary; Tumor predisposition; Hereditary Cancer Syndrome. Identifiers: Orphanet 140162, MedGen C0027672, MeSH D009386, MONDO:0015356.

Submission:

Ambry Genetics
Classification: Uncertain significance for Hereditary cancer-predisposing syndrome. Last evaluated: 2025-01-07. Review status: criteria provided, single submitter. Criteria: Ambry Variant Classification Scheme 2023. Collection method: clinical testing. Allele origin: germline.
Comment: The c.2062-2A>T intronic variant results from an A to T substitution two nucleotides upstream from coding exon 18 in the EGFR gene. Alterations that disrupt the canonical splice site are expected to result in aberrant splicing. In silico splice site analysis predicts that this alteration will weaken the native splice acceptor site and will result in the creation or strengthening of a novel splice acceptor site. The resulting transcript is predicted to be in-frame and is not expected to trigger nonsense-mediated mRNAdecay; although, direct evidence is unavailable. This nucleotide position is highly conserved in available vertebrate species. Based on the available evidence, the clinical significance of this variant remains unclear.